The following is an entry in ClinVar:

ClinVar aggregate classification (germline): Uncertain significance. Review status: criteria provided, multiple submitters, no conflicts (2 of 4 stars). 3 submissions from 3 submitters: Uncertain significance (3). Last evaluated 2026-07-06.

Conditions:
Hereditary cancer-predisposing syndrome. Also called: Hereditary Cancer Syndrome; Neoplastic Syndromes, Hereditary; Hereditary neoplastic syndrome; Tumor predisposition. Identifiers: Orphanet 140162, MedGen C0027672, MeSH D009386, MONDO:0015356.
Endometrial carcinoma. Also called: Endometrial carcinoma, somatic. Identifiers: MedGen C0476089, MONDO:0002447, OMIM 608089, HP:0012114.

Allele frequency attached by ClinVar (database versions not stated): gnomAD exomes below 0.00001.
gnomAD v4.1: 2 of 1,612,884 alleles (0.00012%); highest among the groups gnomAD compares: Non-Finnish European, 0.00017%; no homozygotes.

Submissions (3):

Ambry Genetics
Classification: Uncertain significance for Hereditary cancer-predisposing syndrome. Last evaluated: 2026-07-06. Review status: criteria provided, single submitter. Criteria: Ambry Variant Classification Scheme 2023. Collection method: clinical testing. Allele origin: germline.
Comment: The p.R999G variant (also known as c.2995A>G), located in coding exon 21 of the MSH3 gene, results from an A to G substitution at nucleotide position 2995. The arginine at codon 999 is replaced by glycine, an amino acid with dissimilar properties. This amino acid position is conserved. In addition, the in silico prediction for this alteration is inconclusive. Based on the available evidence, the clinical significance of this variant remains unclear.

Labcorp Genetics (formerly Invitae), Labcorp
Classification: Uncertain significance. Last evaluated: 2026-01-18. Review status: criteria provided, single submitter. Criteria: Invitae Variant Classification Sherloc (09022015). Collection method: clinical testing. Allele origin: germline.
Comment: This sequence change replaces arginine, which is basic and polar, with glycine, which is neutral and non-polar, at codon 999 of the MSH3 protein (p.Arg999Gly). This variant is not present in population databases (gnomAD no frequency). This variant has not been reported in the literature in individuals affected with MSH3-related conditions. ClinVar contains an entry for this variant (Variation ID: 1386234). An algorithm developed to predict the effect of missense changes on protein structure and function (PolyPhen-2) suggests that this variant is likely to be tolerated. In summary, the available evidence is currently insufficient to determine the role of this variant in disease. Therefore, it has been classified as a Variant of Uncertain Significance.

Baylor Genetics
Classification: Uncertain significance for Endometrial carcinoma. Last evaluated: 2023-09-20. Review status: criteria provided, single submitter. Criteria: ACMG Guidelines, 2015. Collection method: clinical testing. Allele origin: unknown.

NM_002439.5(MSH3):c.2995A>G (p.Arg999Gly)

Gene: MSH3 (mutS homolog 3; plus strand). Cytogenetic location: 5q14.1.
Variant type: single nucleotide variant.
Coding change: c.2995A>G on transcript NM_002439.5 (MANE Select); coding-DNA position 2995, A replaced by G.
Protein change: p.Arg999Gly; replaces arginine 999 with glycine.
Molecular consequence: missense variant.
Genome position (GRCh38, 1-based): chr5:80,854,311, A>G. VCF-style: chr5-80854311-A-G. GRCh37 (hg19) VCF-style: chr5-80150130-A-G.
Other names: c.2995A>G (NM_002439.3); short protein forms R999G.
Identifiers: ClinVar variation 1386234 (VCV001386234.10), dbSNP rs2112106692, ClinGen allele CA360275851.